The following is an entry in ClinVar:

ClinVar aggregate classification (germline): Uncertain significance (1 of 4 stars; one submission).

Submission:

Labcorp Genetics (formerly Invitae), Labcorp
Classification: Uncertain significance. Last evaluated: 2025-02-03. Review status: criteria provided, single submitter. Criteria: Invitae Variant Classification Sherloc (09022015). Collection method: clinical testing. Allele origin: germline.
Comment: This sequence change replaces threonine, which is neutral and polar, with alanine, which is neutral and non-polar, at codon 318 of the NEDD4L protein (p.Thr318Ala). This variant is not present in population databases (gnomAD no frequency). This variant has not been reported in the literature in individuals affected with NEDD4L-related conditions. ClinVar contains an entry for this variant (Variation ID: 1717895). Invitae Evidence Modeling of protein sequence and biophysical properties (such as structural, functional, and spatial information, amino acid conservation, physicochemical variation, residue mobility, and thermodynamic stability) indicates that this missense variant is not expected to disrupt NEDD4L protein function with a negative predictive value of 80%. In summary, the available evidence is currently insufficient to determine the role of this variant in disease. Therefore, it has been classified as a Variant of Uncertain Significance.

NM_001144967.3(NEDD4L):c.952A>G (p.Thr318Ala)

Gene: NEDD4L (NEDD4 like E3 ubiquitin protein ligase; plus strand). Cytogenetic location: 18q21.31.
Variant type: single nucleotide variant.
Coding change: c.952A>G on transcript NM_001144967.3 (MANE Select); coding-DNA position 952, A replaced by G.
Protein change: p.Thr318Ala; replaces threonine 318 with alanine.
Molecular consequence: missense variant.
Genome position (GRCh38, 1-based): chr18:58,330,876, A>G. VCF-style: chr18-58330876-A-G. GRCh37 (hg19) VCF-style: chr18-55998108-A-G.
Other names: c.589A>G, p.Thr197Ala (NM_001144964.1, NM_001144965.2, NM_001144966.3 and 2 more transcripts); c.928A>G, p.Thr310Ala (NM_001144968.2, NM_001144969.2); c.952A>G, p.Thr318Ala (NM_001243960.2, NM_015277.6); short protein forms T197A, T310A, T318A.
Identifiers: ClinVar variation 1717895 (VCV001717895.6), dbSNP rs2516399039, ClinGen allele CA402555857.